The following is an entry in ClinVar:

ClinVar aggregate classification (germline): Uncertain significance. Review status: criteria provided, multiple submitters, no conflicts (2 of 4 stars). 2 submissions from 2 submitters: Uncertain significance (2). Last evaluated 2024-10-03.

Conditions:
Hereditary cancer-predisposing syndrome. Also called: Neoplastic Syndromes, Hereditary; Hereditary Cancer Syndrome; Tumor predisposition; Hereditary neoplastic syndrome. Identifiers: Orphanet 140162, MedGen C0027672, MeSH D009386, MONDO:0015356.
Lynch syndrome. Identifiers: Orphanet 144, MedGen C4552100, MONDO:0005835. Disease mechanism: loss of function.

Submissions (2):

Ambry Genetics
Classification: Uncertain significance for Hereditary cancer-predisposing syndrome. Last evaluated: 2024-10-03. Review status: criteria provided, single submitter. Criteria: Ambry Variant Classification Scheme 2023. Collection method: clinical testing. Allele origin: germline.
Comment: The c.777_779delTGG variant (also known as p.G260del) is located in coding exon 4 of the MSH6 gene. This variant results from an in-frame TGG deletion at nucleotide positions 777 to 779. This results in the in-frame deletion of a glycine at codon 260. This amino acid position is highly conserved in available vertebrate species. In addition, this alteration is predicted to be neutral by in silico analysis (Choi Y et al. PLoS ONE. 2012; 7(10):e46688). Based on the available evidence, the clinical significance of this variant remains unclear.

All of Us Research Program, National Institutes of Health
Classification: Uncertain significance for Lynch syndrome. Last evaluated: 2024-07-29. Review status: criteria provided, single submitter. Criteria: ACMG Guidelines, 2015. Collection method: clinical testing. Allele origin: germline. Inheritance: Autosomal dominant inheritance. Observed: 1 variant allele, 1 heterozygote.
Comment: This variant causes the deletion of one amino acid in exon 4 of the MSH6 gene. To our knowledge, functional studies have not been reported for this variant. This variant has not been reported in individuals affected with MSH6-related disorders in the literature. This variant has been identified in 1/251164 chromosomes in the general population by the Genome Aggregation Database (gnomAD). The available evidence is insufficient to determine the role of this variant in disease conclusively. Therefore, this variant is classified as a Variant of Uncertain Significance.

This study involves interpretation of variants in research participants for the purpose of population health screening. Participant phenotype was not available at the time of variant classification. Additional details can be found in publication PMID: 35346344, PMCID: PMC8962531

NM_000179.3(MSH6):c.774TGG[1] (p.Gly260del)

Gene: MSH6 (mutS homolog 6; plus strand). Cytogenetic location: 2p16.3.
Variant type: Microsatellite.
Coding change: c.774TGG[1] on transcript NM_000179.3 (MANE Select); one copy of the 3-base unit TGG starting at c.774; the reference has two copies in a row; one copy, 3 bases deleted.
Protein change: p.Gly260del; deletes glycine 260.
Molecular consequence: inframe indel (on NM_000179.2). On other transcripts: 5 prime UTR variant (9), non-coding transcript variant (4), intron variant (1).
Genome position (GRCh38, 1-based): chr2:47,798,760-47,798,762, TGG deleted; deleting any 3 consecutive bases within chr2:47,798,757-47,798,762 gives the same sequence; the position shown is the placement nearest the transcript's 3' end. VCF-style (leftmost placement, unchanged base first): chr2-47798756-TTGG-T. GRCh37 (hg19) VCF-style: chr2-48025895-TTGG-T.
Other names: c.774_776TGG[1], p.Gly260del (NM_000179.2); c.384TGG[1], p.Gly130del (NM_001281492.2); c.-133TGG[1] (NM_001281493.2, NM_001281494.2, NM_001406811.1 and 6 more transcripts); c.870TGG[1], p.Gly292del (NM_001406795.1, NM_001406802.1); c.774TGG[1], p.Gly260del (NM_001406796.1, NM_001406798.1, NM_001406800.1 and 4 more transcripts); c.477TGG[1], p.Gly161del (NM_001406797.1, NM_001406801.1, NM_001406805.1 and 10 more transcripts); c.249TGG[1], p.Gly85del (NM_001406799.1, NM_001406806.1, NM_001406807.1); c.696TGG[1], p.Gly234del (NM_001406804.1); and 4 more; short protein forms G130del, G161del, G204del, G234del, G260del, G262del, G292del, G85del.
Identifiers: ClinVar variation 3387056 (VCV003387056.2).